The following is an entry in ClinVar:

ClinVar aggregate classification (germline): Uncertain significance. Review status: criteria provided, multiple submitters, no conflicts (2 of 4 stars). 2 submissions from 2 submitters: Uncertain significance (2). Last evaluated 2024-02-13.

Conditions:
Propionic acidemia (PROP). Also called: GLYCINEMIA, KETOTIC; HYPERGLYCINEMIA WITH KETOACIDOSIS AND LEUKOPENIA; KETOTIC HYPERGLYCINEMIA. Identifiers: Orphanet 35, MedGen C0268579, MONDO:0011628, OMIM 606054, HP:0003571.
Inborn genetic diseases. Identifiers: MedGen C0950123, MeSH D030342.

Allele frequency attached by ClinVar (database versions not stated): gnomAD exomes below 0.00001.
gnomAD v4.1: 2 of 1,613,020 alleles (0.00012%); highest among the groups gnomAD compares: Non-Finnish European, 0.00017%; no homozygotes.

Submissions (2):

Ambry Genetics
Classification: Uncertain significance for Inborn genetic diseases. Last evaluated: 2024-02-13. Review status: criteria provided, single submitter. Criteria: Ambry Variant Classification Scheme 2023. Collection method: clinical testing. Allele origin: germline.

Labcorp Genetics (formerly Invitae), Labcorp
Classification: Uncertain significance for Propionic acidemia. Last evaluated: 2022-04-14. Review status: criteria provided, single submitter. Criteria: Invitae Variant Classification Sherloc (09022015). Collection method: clinical testing. Allele origin: germline.
Comment: This sequence change replaces asparagine, which is neutral and polar, with aspartic acid, which is acidic and polar, at codon 344 of the PCCA protein (p.Asn344Asp). This variant is present in population databases (no rsID available, gnomAD 0.0009%). This variant has not been reported in the literature in individuals affected with PCCA-related conditions. Algorithms developed to predict the effect of missense changes on protein structure and function are either unavailable or do not agree on the potential impact of this missense change (SIFT: "Deleterious"; PolyPhen-2: "Benign"; Align-GVGD: "Class C0"). In summary, the available evidence is currently insufficient to determine the role of this variant in disease. Therefore, it has been classified as a Variant of Uncertain Significance.

NM_000282.4(PCCA):c.1030A>G (p.Asn344Asp)

Gene: PCCA (propionyl-CoA carboxylase subunit alpha; plus strand). Cytogenetic location: 13q32.3.
Variant type: single nucleotide variant.
Coding change: c.1030A>G on transcript NM_000282.4 (MANE Select); coding-DNA position 1030, A replaced by G.
Protein change: p.Asn344Asp; replaces asparagine 344 with aspartic acid.
Molecular consequence: missense variant. On other transcripts: non-coding transcript variant (5).
Genome position (GRCh38, 1-based): chr13:100,273,311, A>G. VCF-style: chr13-100273311-A-G. GRCh37 (hg19) VCF-style: chr13-100925565-A-G.
Other names: c.952A>G, p.Asn318Asp (NM_001127692.3, NM_001352607.2, NM_001352608.2); c.1030A>G, p.Asn344Asp (NM_001178004.2, NM_001352605.2, NM_001352606.2 and 1 more transcripts); c.85A>G, p.Asn29Asp (NM_001352610.2, NM_001352611.2, NM_001352612.2); c.1030A>G (NM_000282.3); short protein forms N29D, N318D, N344D.
Identifiers: ClinVar variation 1991860 (VCV001991860.2), dbSNP rs1249776169, ClinGen allele CA388694912.